The following is an entry in ClinVar:

ClinVar aggregate classification (germline): Likely pathogenic. Review status: criteria provided, single submitter (1 of 4 stars). 2 submissions from 2 submitters: Likely pathogenic (1). 1 of the submissions does not count toward it. Last evaluated 2023-07-17.

Conditions:
Citrullinemia. Identifiers: Orphanet 187, MedGen C0175683, MONDO:0015991.

Submissions (2):

Labcorp Genetics (formerly Invitae), Labcorp
Classification: Likely pathogenic for Citrullinemia. Last evaluated: 2023-07-17. Review status: criteria provided, single submitter. Criteria: Invitae Variant Classification Sherloc (09022015). Collection method: clinical testing. Allele origin: germline.
Comment: This variant is not present in population databases (gnomAD no frequency). This sequence change replaces methionine, which is neutral and non-polar, with threonine, which is neutral and polar, at codon 377 of the ASS1 protein (p.Met377Thr). In summary, the currently available evidence indicates that the variant is pathogenic, but additional data are needed to prove that conclusively. Therefore, this variant has been classified as Likely Pathogenic. An algorithm developed to predict the effect of missense changes on protein structure and function (PolyPhen-2) suggests that this variant is likely to be disruptive. This variant is also known as p.Met376Thr. This missense change has been observed in individual(s) with citrullinemia type I (PMID: 35433176). It has also been observed to segregate with disease in related individuals.

Clinical Genetics and Genomics Laboratory, Noor Shahriyar Hospital
Classification: Pathogenic for Citrullinemia. Last evaluated: 2022-03-04. Review status: no assertion criteria provided. Collection method: clinical testing. Allele origin: biparental. Affected: yes. Not counted in ClinVar's aggregate classification.
Comment: The NM_054012 c.1130T>C, is a missense variant in ASS1 which resulted in CTLN1 in a homozygote state; is considered Pathogenic by considering Clinical Data and Computational Prediction.

Variant c.1130T>C (in ASS1 gene) was first seen in persian population with CTLN1 (PMID:35433176)

Literature cited by the submitters: PubMed 35433176 (cited by Labcorp Genetics (formerly Invitae), Labcorp and Clinical Genetics and Genomics Laboratory, Noor Shahriyar Hospital).

NM_054012.4(ASS1):c.1130T>C (p.Met377Thr)

Gene: ASS1 (argininosuccinate synthase 1; plus strand). Cytogenetic location: 9q34.11.
Variant type: single nucleotide variant.
Coding change: c.1130T>C on transcript NM_054012.4 (MANE Select); coding-DNA position 1130, T replaced by C.
Protein change: p.Met377Thr; replaces methionine 377 with threonine.
Molecular consequence: missense variant.
Genome position (GRCh38, 1-based): chr9:130,499,507, T>C. VCF-style: chr9-130499507-T-C. GRCh37 (hg19) VCF-style: chr9-133374894-T-C.
Other names: c.1130T>C, p.Met377Thr (NM_000050.4); short protein forms M377T.
Identifiers: ClinVar variation 2877802 (VCV002877802.4), dbSNP rs2490631235, ClinGen allele CA375232617.